The following is an entry in ClinVar:

ClinVar aggregate classification (germline): Likely benign (1 of 4 stars; one submission).

Allele frequency attached by ClinVar (database versions not stated): gnomAD exomes 0.00001.
gnomAD v4.1: 7 of 1,613,130 alleles (0.00043%); highest among the groups gnomAD compares: Non-Finnish European, 0.00059%; no homozygotes.

Submission:

CeGaT Center for Human Genetics Tuebingen
Classification: Likely benign. Last evaluated: 2023-07-01. Review status: criteria provided, single submitter. Criteria: CeGaT Center For Human Genetics Tuebingen Variant Classification Criteria Version 2. Collection method: clinical testing. Allele origin: germline. Affected: yes. Observed: 1 variant allele.
Comment: GLI1: BP4, BP7

NM_005269.3(GLI1):c.1995C>G (p.Thr665=)

Gene: GLI1 (GLI family zinc finger 1; plus strand). Cytogenetic location: 12q13.3.
Variant type: single nucleotide variant.
Coding change: c.1995C>G on transcript NM_005269.3 (MANE Select); coding-DNA position 1995, C replaced by G.
Protein change: p.Thr665=; no amino-acid change (threonine 665 retained).
Molecular consequence: synonymous variant.
Genome position (GRCh38, 1-based): chr12:57,470,735, C>G. VCF-style: chr12-57470735-C-G. GRCh37 (hg19) VCF-style: chr12-57864518-C-G.
Other names: c.1611C>G, p.Thr537= (NM_001160045.2); c.1872C>G, p.Thr624= (NM_001167609.2).
Identifiers: ClinVar variation 2643135 (VCV002643135.24), dbSNP rs749550712, ClinGen allele CA6648924.